The following is an entry in ClinVar:

NM_004655.4(AXIN2):c.2405+7G>A

Gene: AXIN2 (axin 2; minus strand). Cytogenetic location: 17q24.1.
Variant type: single nucleotide variant.
Coding change: c.2405+7G>A on transcript NM_004655.4 (MANE Select); 7 bases into the intron after coding-DNA position 2405, G replaced by A.
Molecular consequence: intron variant.
Genome position (GRCh38, 1-based): chr17:65,533,905, C>T on the plus strand (G>A on the coding strand, the complement: AXIN2 is on the minus strand). VCF-style: chr17-65533905-C-T. GRCh37 (hg19) VCF-style: chr17-63530023-C-T.
Other names: c.2210+7G>A (NM_001363813.1); c.2405+7G>A (LRG_296t1).
Identifiers: ClinVar variation 415234 (VCV000415234.22), dbSNP rs373593841, ClinGen allele CA8718313.
Genomic context (GRCh38, chr17:65,533,905, plus strand): 5'-CTCCAGGCTCTGGCTCTTGGTTCTGAGCAAACAAACTGAGAGCAGAAAAAAGCCACAGGA[C>T]TCTTACCTATAATTTCCCTTTTTGCTGAGCTGCTCTTTAAAGTGGCCCAGGGTCAAGCTC-3'

ClinVar aggregate classification (germline): Likely benign. Review status: criteria provided, multiple submitters, no conflicts (2 of 4 stars). 5 submissions from 5 submitters: Likely benign (5). Last evaluated 2025-10-14.

Conditions:
Oligodontia-cancer predisposition syndrome. Also called: TOOTH AGENESIS-COLORECTAL CANCER SYNDROME. Identifiers: Orphanet 300576, MedGen C1837750, MONDO:0012075, OMIM 608615. Disease mechanism: loss of function.

Allele frequency attached by ClinVar (database versions not stated): gnomAD 0.00001 and 0.00002; gnomAD exomes 0.00001; TOPMed 0.00001; ExAC 0.00002; ESP Exome Variant Server 0.00015.
gnomAD v4.1: 24 of 1,612,206 alleles (0.0015%); highest among the groups gnomAD compares: East Asian, 0.0067%; no homozygotes.

Submissions (5):

Labcorp Genetics (formerly Invitae), Labcorp
Classification: Likely benign for Oligodontia-cancer predisposition syndrome. Last evaluated: 2025-10-14. Review status: criteria provided, single submitter. Criteria: Invitae Variant Classification Sherloc (09022015). Collection method: clinical testing. Allele origin: germline.

Women's Health and Genetics/Laboratory Corporation of America, LabCorp
Classification: Likely benign. Last evaluated: 2025-04-16. Review status: criteria provided, single submitter. Criteria: LabCorp Variant Classification Summary - May 2015. Collection method: clinical testing. Allele origin: germline.

Myriad Genetics, Inc.
Classification: Likely benign for Oligodontia-cancer predisposition syndrome. Last evaluated: 2024-07-10. Review status: criteria provided, single submitter. Criteria: Myriad Autosomal Dominant, Autosomal Recessive and X-Linked Classification Criteria (2023). Collection method: clinical testing. Allele origin: unknown.
Comment: This variant is considered likely benign. This variant is intronic and is not expected to impact mRNA splicing.

ARUP Laboratories, Molecular Genetics and Genomics, ARUP Laboratories
Classification: Likely benign. Last evaluated: 2021-04-19. Review status: criteria provided, single submitter. Criteria: ARUP Molecular Germline Variant Investigation Process 2021. Collection method: clinical testing. Allele origin: germline.

GeneDx
Classification: Likely benign. Last evaluated: 2017-02-06. Review status: criteria provided, single submitter. Criteria: GeneDx Variant Classification (06012015). Collection method: clinical testing. Allele origin: germline. Affected: yes.
Comment: This variant is considered likely benign or benign based on one or more of the following criteria: it is a conservative change, it occurs at a poorly conserved position in the protein, it is predicted to be benign by multiple in silico algorithms, and/or has population frequency not consistent with disease.